The following is an entry in ClinVar:

NM_033400.3(ZFHX2):c.947C>T (p.Ala316Val)

Genes: THTPA (thiamine triphosphatase; plus strand), ZFHX2 (zinc finger homeobox 2; minus strand). Cytogenetic location: 14q11.2.
Variant type: single nucleotide variant.
Coding change: c.947C>T on transcript NM_033400.3 (MANE Select); coding-DNA position 947, C replaced by T.
Protein change: p.Ala316Val; replaces alanine 316 with valine.
Molecular consequence: missense variant.
Genome position (GRCh38, 1-based): chr14:23,534,379, G>A on the plus strand (C>T on the coding strand, the complement: ZFHX2 is on the minus strand). VCF-style: chr14-23534379-G-A. GRCh37 (hg19) VCF-style: chr14-24003588-G-A.
Other names: c.947C>T (NM_033400.2); short protein forms A316V.
Identifiers: ClinVar variation 3892912 (VCV003892912.3).

ClinVar aggregate classification (germline): Uncertain significance. Review status: criteria provided, multiple submitters, no conflicts (2 of 4 stars). 3 submissions from 3 submitters: Uncertain significance (3). Last evaluated 2026-06-15.

Conditions:
Indifference to pain, congenital, autosomal dominant. Also called: CONGENITAL ANALGESIA, AUTOSOMAL DOMINANT. Identifiers: MedGen C4538468, OMIM 147430, MONDO:0007828.

gnomAD v4.1: 224 of 1,536,796 alleles (0.015%); highest among the groups gnomAD compares: East Asian, 0.53%; 3 homozygotes.

Submissions (3):

Women's Health and Genetics/Laboratory Corporation of America, LabCorp
Classification: Uncertain significance. Last evaluated: 2026-06-15. Review status: criteria provided, single submitter. Criteria: LabCorp Variant Classification Summary - May 2015. Collection method: clinical testing. Allele origin: germline.
Comment: Variant summary: ZFHX2 c.947C>T (p.Ala316Val) results in a non-conservative amino acid change in the encoded protein sequence. Algorithms developed to predict the effect of missense changes on protein structure and function are either unavailable or do not agree on the potential impact of this missense change. The variant allele was found at a frequency of 0.00011 in 139360 control chromosomes. This frequency is not significantly higher than estimated for disease-causing variants in ZFHX2, allowing no conclusion about variant significance. To our knowledge, no occurrence of c.947C>T in individuals affected with ZFHX2-related conditions and no experimental evidence demonstrating its impact on protein function have been reported. ClinVar contains an entry for this variant (Variation ID: 3892912). Based on the evidence outlined above, the variant was classified as uncertain significance.

Ambry Genetics
Classification: Uncertain significance. Last evaluated: 2025-04-20. Review status: criteria provided, single submitter. Criteria: Ambry Variant Classification Scheme 2023. Collection method: clinical testing. Allele origin: germline.

Department of Pathology and Laboratory Medicine, Sinai Health System
Classification: Uncertain significance for Indifference to pain, congenital, autosomal dominant. Last evaluated: 2021-07-30. Review status: criteria provided, single submitter. Criteria: ACMG Guidelines, 2015. Collection method: research. Allele origin: germline.